The following is an entry in ClinVar:

ClinVar aggregate classification (germline): Uncertain significance (1 of 4 stars; one submission).

Conditions:
Epileptic encephalopathy. Identifiers: MedGen C0543888, HP:0200134.

Allele frequency attached by ClinVar (database versions not stated): gnomAD exomes 0.00007 and 0.00011; 1000 Genomes Project 0.00020; 1000 Genomes Project 30x 0.00016; gnomAD 0.00006; TOPMed 0.00006; ExAC 0.00007.

Submission:

Labcorp Genetics (formerly Invitae), Labcorp
Classification: Uncertain significance for Epileptic encephalopathy. Last evaluated: 2025-12-15. Review status: criteria provided, single submitter. Criteria: Invitae Variant Classification Sherloc (09022015). Collection method: clinical testing. Allele origin: germline.
Comment: This sequence change replaces arginine, which is basic and polar, with glutamine, which is neutral and polar, at codon 1462 of the FASN protein (p.Arg1462Gln). This variant is present in population databases (rs140112183, gnomAD 0.01%). This variant has not been reported in the literature in individuals affected with FASN-related conditions. ClinVar contains an entry for this variant (Variation ID: 666049). An algorithm developed to predict the effect of missense changes on protein structure and function outputs the following: PolyPhen-2: "Benign". The glutamine amino acid residue is found in multiple mammalian species, which suggests that this missense change does not adversely affect protein function. In summary, the available evidence is currently insufficient to determine the role of this variant in disease. Therefore, it has been classified as a Variant of Uncertain Significance.

NM_004104.5(FASN):c.4385G>A (p.Arg1462Gln)

Gene: FASN (fatty acid synthase; minus strand). Cytogenetic location: 17q25.3.
Variant type: single nucleotide variant.
Coding change: c.4385G>A on transcript NM_004104.5 (MANE Select); coding-DNA position 4385, G replaced by A.
Protein change: p.Arg1462Gln; replaces arginine 1462 with glutamine.
Molecular consequence: missense variant.
Genome position (GRCh38, 1-based): chr17:82,085,059, C>T on the plus strand (G>A on the coding strand, the complement: FASN is on the minus strand). VCF-style: chr17-82085059-C-T. GRCh37 (hg19) VCF-style: chr17-80042935-C-T.
Other names: short protein forms R1462Q.
Identifiers: ClinVar variation 666049 (VCV000666049.11), dbSNP rs140112183, ClinGen allele CA8852075.